The following is an entry in ClinVar:

NM_000208.4(INSR):c.3234G>A (p.Met1078Ile)

Gene: INSR (insulin receptor; minus strand). Cytogenetic location: 19p13.2.
Variant type: single nucleotide variant.
Coding change: c.3234G>A on transcript NM_000208.4 (MANE Select); coding-DNA position 3234, G replaced by A.
Protein change: p.Met1078Ile; replaces methionine 1078 with isoleucine.
Molecular consequence: missense variant.
Genome position (GRCh38, 1-based): chr19:7,125,307, C>T on the plus strand (G>A on the coding strand, the complement: INSR is on the minus strand). VCF-style: chr19-7125307-C-T. GRCh37 (hg19) VCF-style: chr19-7125318-C-T.
Other names: c.3198G>A, p.Met1066Ile (NM_001079817.3); short protein forms M1066I, M1078I.
Identifiers: ClinVar variation 1337160 (VCV001337160.4), dbSNP rs2144813778, ClinGen allele CA403671021.

ClinVar aggregate classification (germline): Likely pathogenic (1 of 4 stars; one submission).

Submission:

Genetic Services Laboratory, University of Chicago
Classification: Likely pathogenic. Last evaluated: 2020-11-05. Review status: criteria provided, single submitter. Criteria: ACMG Guidelines, 2015. Collection method: clinical testing. Allele origin: germline. Affected: yes.
Comment: DNA sequence analysis of the INSR gene demonstrated a sequence change, c.3234G>A, in exon 17 that results in an amino acid change, p.Met1078Ile. This sequence change does not appear to have been previously described in patients with INSR-related disorders. The p.Met1078Ile change is absent from large population databases such as ExAC and gnomAD. The p.Met1078Ile change affects a highly conserved amino acid residue located in a domain of the INSR protein that is known to be functional. In-silico pathogenicity prediction tools (SIFT, PolyPhen2, Align GVGD, REVEL) provide contradictory results for the p.Met1078Ile substitution.